The following is an entry in ClinVar:

NM_000391.4(TPP1):c.803G>A (p.Arg268Gln)

Gene: TPP1 (tripeptidyl peptidase 1; minus strand). Cytogenetic location: 11p15.4.
Variant type: single nucleotide variant.
Coding change: c.803G>A on transcript NM_000391.4 (MANE Select); coding-DNA position 803, G replaced by A.
Protein change: p.Arg268Gln; replaces arginine 268 with glutamine.
Molecular consequence: missense variant.
Genome position (GRCh38, 1-based): chr11:6,616,744, C>T on the plus strand (G>A on the coding strand, the complement: TPP1 is on the minus strand). VCF-style: chr11-6616744-C-T. GRCh37 (hg19) VCF-style: chr11-6637975-C-T.
Other names: short protein forms R268Q.
Identifiers: ClinVar variation 999039 (VCV000999039.7), dbSNP rs141920079, ClinGen allele CA5858834.

ClinVar aggregate classification (germline): Uncertain significance. Review status: criteria provided, multiple submitters, no conflicts (2 of 4 stars). 4 submissions from 4 submitters: Uncertain significance (3). 1 of the submissions does not count toward it. Last evaluated 2025-05-14.

Conditions:
Inborn genetic diseases. Identifiers: MedGen C0950123, MeSH D030342.
Neuronal ceroid lipofuscinosis 2. Also called: TPP1-Related Neuronal Ceroid-Lipofuscinosis; JANSKY-BIELSCHOWSKY DISEASE NEURONAL CEROID LIPOFUSCINOSIS, LATE INFANTILE. Identifiers: Orphanet 168491, Orphanet 228349, Orphanet 79264, MedGen C1876161, MONDO:0008769, OMIM 204500.

Allele frequency attached by ClinVar (database versions not stated): gnomAD 0.00003; gnomAD exomes 0.00005; TOPMed 0.00005; ESP Exome Variant Server 0.00008.

Submissions (4):

Ambry Genetics
Classification: Uncertain significance for Inborn genetic diseases. Last evaluated: 2025-05-14. Review status: criteria provided, single submitter. Criteria: Ambry Variant Classification Scheme 2023. Collection method: clinical testing. Allele origin: germline.

Labcorp Genetics (formerly Invitae), Labcorp
Classification: Uncertain significance. Last evaluated: 2022-08-08. Review status: criteria provided, single submitter. Criteria: Invitae Variant Classification Sherloc (09022015). Collection method: clinical testing. Allele origin: germline.
Comment: This sequence change replaces arginine, which is basic and polar, with glutamine, which is neutral and polar, at codon 268 of the TPP1 protein (p.Arg268Gln). This variant is present in population databases (rs141920079, gnomAD 0.002%). This variant has not been reported in the literature in individuals affected with TPP1-related conditions. ClinVar contains an entry for this variant (Variation ID: 999039). Advanced modeling of protein sequence and biophysical properties (such as structural, functional, and spatial information, amino acid conservation, physicochemical variation, residue mobility, and thermodynamic stability) performed at Invitae indicates that this missense variant is not expected to disrupt TPP1 protein function. In summary, the available evidence is currently insufficient to determine the role of this variant in disease. Therefore, it has been classified as a Variant of Uncertain Significance.

GeneDx
Classification: Uncertain significance. Last evaluated: 2020-07-09. Review status: criteria provided, single submitter. Criteria: GeneDx Variant Classification Process June 2021. Collection method: clinical testing. Allele origin: germline. Affected: yes.
Comment: Not observed at a significant frequency in large population cohorts (Lek et al., 2016); In silico analysis supports that this missense variant does not alter protein structure/function; Has not been previously published as pathogenic or benign to our knowledge

Natera, Inc.
Classification: Uncertain significance for Neuronal ceroid lipofuscinosis 2. Last evaluated: 2020-08-20. Review status: no assertion criteria provided. Collection method: clinical testing. Allele origin: germline. Not counted in ClinVar's aggregate classification.